The following is an entry in ClinVar:

ClinVar aggregate classification (germline): Uncertain significance (1 of 4 stars; one submission).

Allele frequency attached by ClinVar (database versions not stated): gnomAD exomes below 0.00001.
gnomAD v4.1: 3 of 1,609,842 alleles (0.00019%); highest among the groups gnomAD compares: South Asian, 0.0022%; no homozygotes.

Submission:

Labcorp Genetics (formerly Invitae), Labcorp
Classification: Uncertain significance. Last evaluated: 2022-08-19. Review status: criteria provided, single submitter. Criteria: Invitae Variant Classification Sherloc (09022015). Collection method: clinical testing. Allele origin: germline.
Comment: In summary, the available evidence is currently insufficient to determine the role of this variant in disease. Therefore, it has been classified as a Variant of Uncertain Significance. Algorithms developed to predict the effect of missense changes on protein structure and function output the following: SIFT: "Tolerated"; PolyPhen-2: "Benign"; Align-GVGD: "Class C0". The valine amino acid residue is found in multiple mammalian species, which suggests that this missense change does not adversely affect protein function. This sequence change replaces isoleucine, which is neutral and non-polar, with valine, which is neutral and non-polar, at codon 298 of the IFT74 protein (p.Ile298Val). This variant is not present in population databases (gnomAD no frequency). This variant has not been reported in the literature in individuals affected with IFT74-related conditions.

NM_025103.4(IFT74):c.892A>G (p.Ile298Val)

Gene: IFT74 (intraflagellar transport 74; plus strand). Cytogenetic location: 9p21.2.
Variant type: single nucleotide variant.
Coding change: c.892A>G on transcript NM_025103.4 (MANE Select); coding-DNA position 892, A replaced by G.
Protein change: p.Ile298Val; replaces isoleucine 298 with valine.
Molecular consequence: missense variant.
Genome position (GRCh38, 1-based): chr9:27,017,009, A>G. VCF-style: chr9-27017009-A-G. GRCh37 (hg19) VCF-style: chr9-27017007-A-G.
Other names: c.892A>G, p.Ile298Val (NM_001099222.3, NM_001099223.3, NM_001099224.3 and 1 more transcripts); short protein forms I298V.
Identifiers: ClinVar variation 2123368 (VCV002123368.4), dbSNP rs2489481575, ClinGen allele CA373119788.